The following is an entry in ClinVar:

NM_001002295.2(GATA3):c.268C>T (p.Leu90Phe)

Gene: GATA3 (GATA binding protein 3; plus strand). Cytogenetic location: 10p14.
Variant type: single nucleotide variant.
Coding change: c.268C>T on transcript NM_001002295.2 (MANE Select); coding-DNA position 268, C replaced by T.
Protein change: p.Leu90Phe; replaces leucine 90 with phenylalanine.
Molecular consequence: missense variant.
Genome position (GRCh38, 1-based): chr10:8,058,331, C>T. VCF-style: chr10-8058331-C-T. GRCh37 (hg19) VCF-style: chr10-8100294-C-T.
Other names: c.268C>T, p.Leu90Phe (NM_002051.3); short protein forms L90F.
Identifiers: ClinVar variation 4056921 (VCV004056921.1).

ClinVar aggregate classification (germline): Uncertain significance (1 of 4 stars; one submission).

gnomAD v4.1: 1 of 1,613,548 alleles (0.000062%); highest among the groups gnomAD compares: Admixed American, 0.0017%; no homozygotes.

Submission:

GeneDx
Classification: Uncertain significance. Last evaluated: 2025-01-08. Review status: criteria provided, single submitter. Criteria: GeneDx Variant Classification Process June 2021. Collection method: clinical testing. Allele origin: germline. Affected: yes.
Comment: Not observed at significant frequency in large population cohorts (gnomAD); In silico analysis indicates that this missense variant does not alter protein structure/function; Has not been previously published as pathogenic or benign to our knowledge